The following is an entry in ClinVar:

ClinVar aggregate classification (germline): Uncertain significance (1 of 4 stars; one submission).

Conditions:
Hereditary diffuse gastric adenocarcinoma (HDGC). Also called: DIFFUSE GASTRIC AND LOBULAR BREAST CANCER SYNDROME. Identifiers: Orphanet 26106, MedGen C1708349, MONDO:0007648, OMIM 137215.

Submission:

Labcorp Genetics (formerly Invitae), Labcorp
Classification: Uncertain significance for Hereditary diffuse gastric adenocarcinoma. Last evaluated: 2022-08-16. Review status: criteria provided, single submitter. Criteria: Invitae Variant Classification Sherloc (09022015). Collection method: clinical testing. Allele origin: germline.
Comment: Algorithms developed to predict the effect of missense changes on protein structure and function are either unavailable or do not agree on the potential impact of this missense change (SIFT: "Tolerated"; PolyPhen-2: "Possibly Damaging"; Align-GVGD: "Class C0"). In summary, the available evidence is currently insufficient to determine the role of this variant in disease. Therefore, it has been classified as a Variant of Uncertain Significance. This variant has not been reported in the literature in individuals affected with CDH1-related conditions. This sequence change replaces threonine, which is neutral and polar, with proline, which is neutral and non-polar, at codon 285 of the CDH1 protein (p.Thr285Pro). This variant is not present in population databases (gnomAD no frequency).

NM_004360.5(CDH1):c.853A>C (p.Thr285Pro)

Gene: CDH1 (cadherin 1; plus strand). Cytogenetic location: 16q22.1.
Variant type: single nucleotide variant.
Coding change: c.853A>C on transcript NM_004360.5 (MANE Select); coding-DNA position 853, A replaced by C.
Protein change: p.Thr285Pro; replaces threonine 285 with proline.
Molecular consequence: missense variant. On other transcripts: 5 prime UTR variant (2).
Genome position (GRCh38, 1-based): chr16:68,811,704, A>C. VCF-style: chr16-68811704-A-C. GRCh37 (hg19) VCF-style: chr16-68845607-A-C.
Other names: c.853A>C, p.Thr285Pro (NM_001317184.2); c.-763A>C (NM_001317185.2); c.-967A>C (NM_001317186.2); short protein forms T285P.
Identifiers: ClinVar variation 1716488 (VCV001716488.6), dbSNP rs1597893961, ClinGen allele CA396459577.